The following is an entry in ClinVar:

ClinVar aggregate classification (germline): Uncertain significance (1 of 4 stars; one submission).

Conditions:
Malignant hyperthermia, susceptibility to, 5 (MHS5). Also called: CACNA1S-Related Malignant Hyperthermia Susceptibility. Identifiers: Orphanet 423, MedGen C1866077, MONDO:0011163, OMIM 601887.

Allele frequency attached by ClinVar (database versions not stated): gnomAD exomes below 0.00001; TOPMed below 0.00001; ExAC 0.00001.
gnomAD v4.1: 6 of 1,609,160 alleles (0.00037%); highest among the groups gnomAD compares: Non-Finnish European, 0.00042%; no homozygotes.

Submission:

All of Us Research Program, National Institutes of Health
Classification: Uncertain significance for Malignant hyperthermia, susceptibility to, 5. Last evaluated: 2023-10-23. Review status: criteria provided, single submitter. Criteria: ACMG Guidelines, 2015. Collection method: clinical testing. Allele origin: germline. Inheritance: Autosomal dominant inheritance. Observed: 1 variant allele, 1 heterozygote.
Comment: This missense variant replaces glycine with glutamic acid at codon 1415 of the CACNA1S protein. Computational prediction is inconclusive regarding the impact of this variant on protein structure and function (internally defined REVEL score threshold 0.5 < inconclusive < 0.7, PMID: 27666373). To our knowledge, functional studies have not been reported for this variant. This variant has not been reported in individuals affected with CACNA1S-related disorders in the literature. This variant has been identified in 1/242944 chromosomes in the general population by the Genome Aggregation Database (gnomAD). The available evidence is insufficient to determine the role of this variant in disease conclusively. Therefore, this variant is classified as a Variant of Uncertain Significance.

This study involves interpretation of variants in research participants for the purpose of population health screening. Participant phenotype was not available at the time of variant classification. Additional details can be found in publication PMID: 35346344, PMCID: PMC8962531

NM_000069.3(CACNA1S):c.4244G>A (p.Gly1415Glu)

Gene: CACNA1S (calcium voltage-gated channel subunit alpha1 S; minus strand). Cytogenetic location: 1q32.1.
Variant type: single nucleotide variant.
Coding change: c.4244G>A on transcript NM_000069.3 (MANE Select); coding-DNA position 4244, G replaced by A.
Protein change: p.Gly1415Glu; replaces glycine 1415 with glutamic acid.
Molecular consequence: missense variant.
Genome position (GRCh38, 1-based): chr1:201,049,097, C>T on the plus strand (G>A on the coding strand, the complement: CACNA1S is on the minus strand). VCF-style: chr1-201049097-C-T. GRCh37 (hg19) VCF-style: chr1-201018225-C-T.
Other names: short protein forms G1415E.
Identifiers: ClinVar variation 3074121 (VCV003074121.1), dbSNP rs746069974, ClinGen allele CA083201.